The following is an entry in ClinVar:

ClinVar aggregate classification (germline): Uncertain significance (1 of 4 stars; one submission).

Conditions:
Hereditary cancer-predisposing syndrome. Also called: Hereditary Cancer Syndrome; Neoplastic Syndromes, Hereditary; Tumor predisposition; Hereditary neoplastic syndrome. Identifiers: Orphanet 140162, MedGen C0027672, MeSH D009386, MONDO:0015356.

Submission:

Ambry Genetics
Classification: Uncertain significance for Hereditary cancer-predisposing syndrome. Last evaluated: 2026-08-20. Review status: criteria provided, single submitter. Criteria: Ambry Variant Classification Scheme 2023. Collection method: clinical testing. Allele origin: germline.
Comment: The p.S1026R variant (also known as c.3078C>G), located in coding exon 25 of the EGFR gene, results from a C to G substitution at nucleotide position 3078. The serine at codon 1026 is replaced by arginine, an amino acid with dissimilar properties. This amino acid position is highly conserved in available vertebrate species. In addition, the in silico prediction for this alteration is inconclusive. Based on the available evidence, the clinical significance of this variant remains unclear.

NM_005228.5(EGFR):c.3078C>G (p.Ser1026Arg)

Gene: EGFR (epidermal growth factor receptor; plus strand). Cytogenetic location: 7p11.2.
Variant type: single nucleotide variant.
Coding change: c.3078C>G on transcript NM_005228.5 (MANE Select); coding-DNA position 3078, C replaced by G.
Protein change: p.Ser1026Arg; replaces serine 1026 with arginine.
Molecular consequence: missense variant.
Genome position (GRCh38, 1-based): chr7:55,201,319, C>G. VCF-style: chr7-55201319-C-G. GRCh37 (hg19) VCF-style: chr7-55269012-C-G.
Other names: c.2943C>G, p.Ser981Arg (NM_001346897.2, NM_001346899.2); c.3078C>G, p.Ser1026Arg (NM_001346898.2); c.2919C>G, p.Ser973Arg (NM_001346900.2); c.2277C>G, p.Ser759Arg (NM_001346941.2); short protein forms S759R, S973R, S1026R, S981R.
Identifiers: ClinVar variation 5035819 (VCV005035819.1).